The following is an entry in ClinVar:

NM_001352027.3(PHF21A):c.1029A>G (p.Lys343=)

Gene: PHF21A (PHD finger protein 21A; minus strand). Cytogenetic location: 11p11.2.
Variant type: single nucleotide variant.
Coding change: c.1029A>G on transcript NM_001352027.3 (MANE Select); coding-DNA position 1029, A replaced by G.
Protein change: p.Lys343=; no amino-acid change (lysine 343 retained).
Molecular consequence: synonymous variant. On other transcripts: non-coding transcript variant (2).
Genome position (GRCh38, 1-based): chr11:45,953,593, T>C on the plus strand (A>G on the coding strand, the complement: PHF21A is on the minus strand). VCF-style: chr11-45953593-T-C. GRCh37 (hg19) VCF-style: chr11-45975144-T-C.
Other names: c.1026A>G, p.Lys342= (NM_001101802.3, NM_001352030.3, NM_001352031.3 and 1 more transcripts); c.1029A>G, p.Lys343= (NM_001352025.3, NM_001352026.3, NM_001352028.1 and 2 more transcripts).
Identifiers: ClinVar variation 1583998 (VCV001583998.30), dbSNP rs765942961, ClinGen allele CA5961228.

ClinVar aggregate classification (germline): Likely benign. Review status: criteria provided, multiple submitters, no conflicts (2 of 4 stars). 2 submissions from 2 submitters: Likely benign (2). Last evaluated 2024-09-03.

Allele frequency attached by ClinVar (database versions not stated): TOPMed 0.00002; ExAC 0.00003; gnomAD exomes 0.00004; gnomAD 0.00007.
gnomAD v4.1: 73 of 1,613,800 alleles (0.0045%); highest among the groups gnomAD compares: Non-Finnish European, 0.0054%; no homozygotes.

Submissions (2):

Labcorp Genetics (formerly Invitae), Labcorp
Classification: Likely benign. Last evaluated: 2024-09-03. Review status: criteria provided, single submitter. Criteria: Invitae Variant Classification Sherloc (09022015). Collection method: clinical testing. Allele origin: germline.

CeGaT Center for Human Genetics Tuebingen
Classification: Likely benign. Last evaluated: 2024-07-01. Review status: criteria provided, single submitter. Criteria: CeGaT Center For Human Genetics Tuebingen Variant Classification Criteria Version 2. Collection method: clinical testing. Allele origin: germline. Affected: yes. Observed: 2 variant alleles.
Comment: PHF21A: BP4, BP7